The following is an entry in ClinVar:

ClinVar aggregate classification (germline): Uncertain significance (1 of 4 stars; one submission).

Conditions:
Idiopathic Pulmonary Fibrosis. Also called: Idiopathic fibrosing alveolitis, chronic form; idiopathic fibrosing alveolitis. Identifiers: Orphanet 2032, MedGen C1800706, MeSH D054990, MONDO:0800504.
Dyskeratosis congenita, autosomal dominant 2. Identifiers: MedGen C3151443, MONDO:0013521, OMIM 613989.

Submission:

Labcorp Genetics (formerly Invitae), Labcorp
Classification: Uncertain significance for Dyskeratosis congenita, autosomal dominant 2; Idiopathic Pulmonary Fibrosis. Last evaluated: 2020-03-04. Review status: criteria provided, single submitter. Criteria: Invitae Variant Classification Sherloc (09022015). Collection method: clinical testing. Allele origin: germline.
Comment: This sequence change replaces histidine with proline at codon 815 of the TERT protein (p.His815Pro). The histidine residue is weakly conserved and there is a moderate physicochemical difference between histidine and proline. This variant is not present in population databases (ExAC no frequency). This variant has not been reported in the literature in individuals with TERT-related conditions. Algorithms developed to predict the effect of missense changes on protein structure and function (SIFT, PolyPhen-2, Align-GVGD) all suggest that this variant is likely to be tolerated, but these predictions have not been confirmed by published functional studies and their clinical significance is uncertain. In summary, the available evidence is currently insufficient to determine the role of this variant in disease. Therefore, it has been classified as a Variant of Uncertain Significance.

NM_198253.3(TERT):c.2444A>C (p.His815Pro)

Gene: TERT (telomerase reverse transcriptase; minus strand). Cytogenetic location: 5p15.33.
Variant type: single nucleotide variant.
Coding change: c.2444A>C on transcript NM_198253.3 (MANE Select); coding-DNA position 2444, A replaced by C.
Protein change: p.His815Pro; replaces histidine 815 with proline.
Molecular consequence: missense variant.
Genome position (GRCh38, 1-based): chr5:1,271,143, T>G on the plus strand (A>C on the coding strand, the complement: TERT is on the minus strand). VCF-style: chr5-1271143-T-G. GRCh37 (hg19) VCF-style: chr5-1271258-T-G.
Other names: c.2444A>C, p.His815Pro (NM_001193376.3); short protein forms H815P.
Identifiers: ClinVar variation 962509 (VCV000962509.10), dbSNP rs771392980, ClinGen allele CA359075701.